The following is an entry in ClinVar:

NM_004360.5(CDH1):c.833G>A (p.Gly278Glu)

Gene: CDH1 (cadherin 1; plus strand). Cytogenetic location: 16q22.1.
Variant type: single nucleotide variant.
Coding change: c.833G>A on transcript NM_004360.5 (MANE Select); coding-DNA position 833, G replaced by A.
Protein change: p.Gly278Glu; replaces glycine 278 with glutamic acid.
Molecular consequence: missense variant. On other transcripts: 5 prime UTR variant (2).
Genome position (GRCh38, 1-based): chr16:68,811,684, G>A. VCF-style: chr16-68811684-G-A. GRCh37 (hg19) VCF-style: chr16-68845587-G-A.
Other names: c.833G>A (LRG_301t1); c.833G>A, p.Gly278Glu (NM_001317184.2); c.-783G>A (NM_001317185.2); c.-987G>A (NM_001317186.2); short protein forms G278E.
Identifiers: ClinVar variation 532438 (VCV000532438.13), dbSNP rs1555515597, ClinGen allele CA396459538.
Genomic context (GRCh38, chr16:68,811,684, plus strand): 5'-GTATTGACCCAGTCCCAAAGTGCAGCTTGTCTAAACCTTCATCTCCTTGAACTCTTCCAG[G>A]AACCTCTGTGATGGAGGTCACAGCCACAGACGCGGACGATGATGTGAACACCTACAATGC-3'
Protein context (NP_004351.1, residues 268-288): KGSVMEGALP[Gly278Glu]TSVMEVTATD

ClinVar aggregate classification (germline): Uncertain significance. Review status: criteria provided, multiple submitters, no conflicts (2 of 4 stars). 2 submissions from 2 submitters: Uncertain significance (2). Last evaluated 2025-12-18.

Conditions:
Hereditary cancer-predisposing syndrome. Also called: Neoplastic Syndromes, Hereditary; Hereditary neoplastic syndrome; Tumor predisposition; Hereditary Cancer Syndrome. Identifiers: Orphanet 140162, MedGen C0027672, MeSH D009386, MONDO:0015356.
Hereditary diffuse gastric adenocarcinoma (HDGC). Also called: DIFFUSE GASTRIC AND LOBULAR BREAST CANCER SYNDROME. Identifiers: Orphanet 26106, MedGen C1708349, MONDO:0007648, OMIM 137215.

Submissions (2):

Labcorp Genetics (formerly Invitae), Labcorp
Classification: Uncertain significance for Hereditary diffuse gastric adenocarcinoma. Last evaluated: 2025-12-18. Review status: criteria provided, single submitter. Criteria: Invitae Variant Classification Sherloc (09022015). Collection method: clinical testing. Allele origin: germline.
Comment: This sequence change replaces glycine, which is neutral and non-polar, with glutamic acid, which is acidic and polar, at codon 278 of the CDH1 protein (p.Gly278Glu). This variant is not present in population databases (gnomAD no frequency). This variant has not been reported in the literature in individuals affected with CDH1-related conditions. ClinVar contains an entry for this variant (Variation ID: 532438). An algorithm developed to predict the effect of missense changes on protein structure and function (PolyPhen-2) suggests that this variant is likely to be disruptive. In summary, the available evidence is currently insufficient to determine the role of this variant in disease. Therefore, it has been classified as a Variant of Uncertain Significance.

Ambry Genetics
Classification: Uncertain significance for Hereditary cancer-predisposing syndrome. Last evaluated: 2019-02-06. Review status: criteria provided, single submitter. Criteria: Ambry Variant Classification Scheme 2023. Collection method: clinical testing. Allele origin: germline.
Comment: The p.G278E variant (also known as c.833G>A) is located in coding exon 7 of the CDH1 gene. The glycine at codon 278 is replaced by glutamic acid, an amino acid with similar properties. This change occurs in the first base pair of coding exon 7. This amino acid position is highly conserved in available vertebrate species. In addition, this alteration is predicted to be deleterious by in silico analysis. Since supporting evidence is limited at this time, the clinical significance of this alteration remains unclear.